The following is an entry in ClinVar:

NM_018671.5(UNC45A):c.250+5G>A

Gene: UNC45A (unc-45 myosin chaperone A; plus strand). Cytogenetic location: 15q26.1.
Variant type: single nucleotide variant.
Coding change: c.250+5G>A on transcript NM_018671.5 (MANE Select); 5 bases into the intron after coding-DNA position 250, G replaced by A.
Molecular consequence: intron variant.
Genome position (GRCh38, 1-based): chr15:90,935,987, G>A. VCF-style: chr15-90935987-G-A. GRCh37 (hg19) VCF-style: chr15-91479217-G-A.
Other names: c.205+5G>A (NM_001039675.2, NM_001323621.2); c.250+5G>A (NM_001323619.1); c.-334+5G>A (NM_001323620.2).
Identifiers: ClinVar variation 1933162 (VCV001933162.5), dbSNP rs1414393542, ClinGen allele CA619861869.

ClinVar aggregate classification (germline): Uncertain significance (1 of 4 stars; one submission).

Allele frequency attached by ClinVar (database versions not stated): gnomAD 0.00001.
gnomAD v4.1: 11 of 1,613,934 alleles (0.00068%); highest among the groups gnomAD compares: South Asian, 0.0011%; no homozygotes.

Submission:

Labcorp Genetics (formerly Invitae), Labcorp
Classification: Uncertain significance. Last evaluated: 2022-04-20. Review status: criteria provided, single submitter. Criteria: Invitae Variant Classification Sherloc (09022015). Collection method: clinical testing. Allele origin: germline.
Comment: In summary, the available evidence is currently insufficient to determine the role of this variant in disease. Therefore, it has been classified as a Variant of Uncertain Significance. Variants that disrupt the consensus splice site are a relatively common cause of aberrant splicing (PMID: 17576681, 9536098). Algorithms developed to predict the effect of sequence changes on RNA splicing suggest that this variant is not likely to affect RNA splicing. This variant has not been reported in the literature in individuals affected with UNC45A-related conditions. This variant is present in population databases (no rsID available, gnomAD 0.003%). This sequence change falls in intron 3 of the UNC45A gene. It does not directly change the encoded amino acid sequence of the UNC45A protein. It affects a nucleotide within the consensus splice site.

Literature cited by the submitters: PubMed 17576681; PubMed 9536098.